The following is an entry in ClinVar:

NM_031935.3(HMCN1):c.5470+5G>A

Gene: HMCN1 (hemicentin 1; plus strand). Cytogenetic location: 1q31.1.
Variant type: single nucleotide variant.
Coding change: c.5470+5G>A on transcript NM_031935.3 (MANE Select); 5 bases into the intron after coding-DNA position 5470, G replaced by A.
Molecular consequence: intron variant.
Genome position (GRCh38, 1-based): chr1:186,018,357, G>A. VCF-style: chr1-186018357-G-A. GRCh37 (hg19) VCF-style: chr1-185987489-G-A.
Identifiers: ClinVar variation 3690933 (VCV003690933.2).

ClinVar aggregate classification (germline): Uncertain significance (1 of 4 stars; one submission).

Submission:

Labcorp Genetics (formerly Invitae), Labcorp
Classification: Uncertain significance. Last evaluated: 2024-10-02. Review status: criteria provided, single submitter. Criteria: Invitae Variant Classification Sherloc (09022015). Collection method: clinical testing. Allele origin: germline.
Comment: This sequence change falls in intron 34 of the HMCN1 gene. It does not directly change the encoded amino acid sequence of the HMCN1 protein. It affects a nucleotide within the consensus splice site. This variant is not present in population databases (gnomAD no frequency). This variant has not been reported in the literature in individuals affected with HMCN1-related conditions. Variants that disrupt the consensus splice site are a relatively common cause of aberrant splicing (PMID: 17576681, 9536098). Algorithms developed to predict the effect of sequence changes on RNA splicing suggest that this variant may disrupt the consensus splice site. In summary, the available evidence is currently insufficient to determine the role of this variant in disease. Therefore, it has been classified as a Variant of Uncertain Significance.

Literature cited by the submitters: PubMed 17576681; PubMed 9536098.